The following is an entry in ClinVar:

ClinVar aggregate classification (germline): Uncertain significance (1 of 4 stars; one submission).

Allele frequency attached by ClinVar (database versions not stated): TOPMed 0.00001; gnomAD exomes 0.00002.
gnomAD v4.1: 5 of 1,580,084 alleles (0.00032%); highest among the groups gnomAD compares: Admixed American, 0.0089%; no homozygotes.

Submission:

Labcorp Genetics (formerly Invitae), Labcorp
Classification: Uncertain significance. Last evaluated: 2025-07-30. Review status: criteria provided, single submitter. Criteria: Invitae Variant Classification Sherloc (09022015). Collection method: clinical testing. Allele origin: germline.
Comment: This sequence change replaces leucine, which is neutral and non-polar, with phenylalanine, which is neutral and non-polar, at codon 5 of the TIMP3 protein (p.Leu5Phe). The frequency data for this variant in the population databases is considered unreliable, as metrics indicate poor data quality at this position in the gnomAD database. This variant has not been reported in the literature in individuals affected with TIMP3-related conditions. ClinVar contains an entry for this variant (Variation ID: 837921). An algorithm developed to predict the effect of missense changes on protein structure and function outputs the following: PolyPhen-2: "Benign". The phenylalanine amino acid residue is found in multiple mammalian species, which suggests that this missense change does not adversely affect protein function. In summary, the available evidence is currently insufficient to determine the role of this variant in disease. Therefore, it has been classified as a Variant of Uncertain Significance.

NM_000362.5(TIMP3):c.13C>T (p.Leu5Phe)

Genes: SYN3 (synapsin III; minus strand), TIMP3 (TIMP metallopeptidase inhibitor 3; plus strand). Cytogenetic location: 22q12.3.
Variant type: single nucleotide variant.
Coding change: c.13C>T on transcript NM_000362.5 (MANE Select); coding-DNA position 13, C replaced by T.
Protein change: p.Leu5Phe; replaces leucine 5 with phenylalanine.
Molecular consequence: missense variant. On other transcripts: intron variant (7).
Genome position (GRCh38, 1-based): chr22:32,802,014, C>T. VCF-style: chr22-32802014-C-T. GRCh37 (hg19) VCF-style: chr22-33198000-C-T.
Other names: c.708+62901G>A (NM_001369909.1, NM_001135774.2, NM_001369910.1); c.711+62901G>A (NM_001369907.1, NM_003490.4, NM_001369908.1 and 1 more transcripts); short protein forms L5F.
Identifiers: ClinVar variation 837921 (VCV000837921.11), dbSNP rs1469870955, ClinGen allele CA411538895.
Genomic context (GRCh38, chr22:32,802,014, plus strand): 5'-ACTTTGGAGAGGCGAGCAGCAGCCCCGGCAGCGGCGGCAGCAGCGGCAATGACCCCTTGG[C>T]TCGGGCTCATCGTGCTCCTGGGCAGCTGGAGCCTGGGGGACTGGGGCGCCGAGGCGTGCA-3'
Protein context (NP_000353.1, residues 1-15): MTPW[Leu5Phe]GLIVLLGSWS